The following is an entry in ClinVar:

ClinVar aggregate classification (germline): Uncertain significance (1 of 4 stars; one submission).

Submission:

Mayo Clinic Laboratories, Mayo Clinic
Classification: Uncertain significance. Last evaluated: 2023-07-25. Review status: criteria provided, single submitter. Criteria: ACMG Guidelines, 2015. Collection method: clinical testing. Allele origin: germline. Observed: 1 variant allele.
Comment: BP4, PM2_moderate

NM_005866.4(SIGMAR1):c.88C>G (p.Leu30Val)

Genes: SIGMAR1 (sigma non-opioid intracellular receptor 1; minus strand), LOC130001681 (ATAC-STARR-seq lymphoblastoid silent region 19853; plus strand). Cytogenetic location: 9p13.3.
Variant type: single nucleotide variant.
Coding change: c.88C>G on transcript NM_005866.4 (MANE Select); coding-DNA position 88, C replaced by G.
Protein change: p.Leu30Val; replaces leucine 30 with valine.
Molecular consequence: missense variant. On other transcripts: 5 prime UTR variant (1), non-coding transcript variant (1).
Genome position (GRCh38, 1-based): chr9:34,637,610, G>C on the plus strand (C>G on the coding strand, the complement: SIGMAR1 is on the minus strand). VCF-style: chr9-34637610-G-C. GRCh37 (hg19) VCF-style: chr9-34637607-G-C.
Other names: p.Leu30Val; c.88C>G, p.Leu30Val (NM_001282205.2, NM_001282207.2, NM_001282208.2 and 2 more transcripts); c.-166C>G (NM_001282206.2); short protein forms L30V.
Identifiers: ClinVar variation 3379858 (VCV003379858.1).